The following is an entry in ClinVar:

ClinVar aggregate classification (germline): Uncertain significance (1 of 4 stars; one submission).

Conditions:
Progressive familial heart block type IB (PFHB1B). Identifiers: Orphanet 871, MedGen C1970298, MONDO:0011474, OMIM 604559.

Submission:

Labcorp Genetics (formerly Invitae), Labcorp
Classification: Uncertain significance for Progressive familial heart block type IB. Last evaluated: 2022-04-29. Review status: criteria provided, single submitter. Criteria: Invitae Variant Classification Sherloc (09022015). Collection method: clinical testing. Allele origin: germline.
Comment: This sequence change replaces methionine, which is neutral and non-polar, with threonine, which is neutral and polar, at codon 458 of the TRPM4 protein (p.Met458Thr). In summary, the available evidence is currently insufficient to determine the role of this variant in disease. Therefore, it has been classified as a Variant of Uncertain Significance. Algorithms developed to predict the effect of missense changes on protein structure and function output the following: SIFT: "Tolerated"; PolyPhen-2: "Benign"; Align-GVGD: "Class C0". The threonine amino acid residue is found in multiple mammalian species, which suggests that this missense change does not adversely affect protein function. This variant has not been reported in the literature in individuals affected with TRPM4-related conditions. This variant is not present in population databases (gnomAD no frequency).

NM_017636.4(TRPM4):c.1373T>C (p.Met458Thr)

Gene: TRPM4 (transient receptor potential cation channel subfamily M member 4; plus strand). Cytogenetic location: 19q13.33.
Variant type: single nucleotide variant.
Coding change: c.1373T>C on transcript NM_017636.4 (MANE Select); coding-DNA position 1373, T replaced by C.
Protein change: p.Met458Thr; replaces methionine 458 with threonine.
Molecular consequence: missense variant. On other transcripts: 5 prime UTR variant (1).
Genome position (GRCh38, 1-based): chr19:49,182,687, T>C. VCF-style: chr19-49182687-T-C. GRCh37 (hg19) VCF-style: chr19-49685944-T-C.
Other names: c.1373T>C, p.Met458Thr (NM_001195227.2); c.1028T>C, p.Met343Thr (NM_001321281.2); c.-181T>C (NM_001321282.2); c.851T>C, p.Met284Thr (NM_001321283.2); c.311T>C, p.Met104Thr (NM_001321285.2); short protein forms M343T, M284T, M458T, M104T.
Identifiers: ClinVar variation 2131900 (VCV002131900.4), dbSNP rs2514115285, ClinGen allele CA406799210.
Genomic context (GRCh38, chr19:49,182,687, plus strand): 5'-CTGAGTTCGTGCGCTTGCTCATTTCCCACGGCCTCAGCCTGGGCCACTTCCTGACCCCGA[T>C]GCGCCTGGCCCAACTCTACAGCGCGGCGCCCTCCAACTCGCTCATCCGCAACCTTTTGGA-3'
Protein context (NP_060106.2, residues 448-468): GLSLGHFLTP[Met458Thr]RLAQLYSAAP